The following is an entry in ClinVar:

NM_001943.5(DSG2):c.299G>C (p.Gly100Ala)

Gene: DSG2 (desmoglein 2; plus strand). Cytogenetic location: 18q12.1.
Variant type: single nucleotide variant.
Coding change: c.299G>C on transcript NM_001943.5 (MANE Select); coding-DNA position 299, G replaced by C.
Protein change: p.Gly100Ala; replaces glycine 100 with alanine.
Molecular consequence: missense variant.
Genome position (GRCh38, 1-based): chr18:31,520,885, G>C. VCF-style: chr18-31520885-G-C. GRCh37 (hg19) VCF-style: chr18-29100848-G-C.
Other names: c.299G>C (NM_001943.4); short protein forms G100A.
Identifiers: ClinVar variation 3505420 (VCV003505420.2), dbSNP rs1236559318.

ClinVar aggregate classification (germline): Uncertain significance. Review status: criteria provided, multiple submitters, no conflicts (2 of 4 stars). 2 submissions from 2 submitters: Uncertain significance (2). Last evaluated 2026-03-27.

Conditions:
Cardiovascular phenotype. Identifiers: MedGen CN230736.

Submissions (2):

Molecular Diagnostic Laboratory for Inherited Cardiovascular Disease, Montreal Heart Institute
Classification: Uncertain significance for Cardiovascular phenotype. Last evaluated: 2026-03-27. Review status: criteria provided, single submitter. Criteria: ACMG Guidelines, 2015. Collection method: clinical testing. Allele origin: germline. Affected: yes.
Comment: PM1, PM2

Ambry Genetics
Classification: Uncertain significance for Cardiovascular phenotype. Last evaluated: 2024-10-08. Review status: criteria provided, single submitter. Criteria: Ambry Variant Classification Scheme 2023. Collection method: clinical testing. Allele origin: germline.
Comment: The p.G100A variant (also known as c.299G>C), located in coding exon 4 of the DSG2 gene, results from a G to C substitution at nucleotide position 299. The glycine at codon 100 is replaced by alanine, an amino acid with similar properties. This amino acid position is conserved. In addition, the in silico prediction for this alteration is inconclusive. Based on the available evidence, the clinical significance of this variant remains unclear.